The following is an entry in ClinVar:

NM_004360.5(CDH1):c.2296-2A>G

Gene: CDH1 (cadherin 1; plus strand). Cytogenetic location: 16q22.1.
Variant type: single nucleotide variant.
Coding change: c.2296-2A>G on transcript NM_004360.5 (MANE Select); the canonical splice acceptor site of the intron before coding-DNA position 2296, A replaced by G.
Molecular consequence: splice acceptor variant.
Genome position (GRCh38, 1-based): chr16:68,829,652, A>G. VCF-style: chr16-68829652-A-G. GRCh37 (hg19) VCF-style: chr16-68863555-A-G.
Other names: c.748-2A>G (NM_001317185.2); c.331-2A>G (NM_001317186.2); c.2113-2A>G (NM_001317184.2).
Identifiers: ClinVar variation 233417 (VCV000233417.26), dbSNP rs876660393, ClinGen allele CA10580157.

ClinVar aggregate classification (germline): Likely pathogenic. Review status: reviewed by expert panel (3 of 4 stars). 7 submissions from 7 submitters: Likely pathogenic (1). 6 of the submissions do not count toward it. Last evaluated 2023-08-24.

Conditions:
CDH1-related diffuse gastric and lobular breast cancer syndrome. Also called: CDH1-related diffuse gastric and lobular breast cancer. Identifiers: MedGen CN311521, MONDO:0100488.
Hereditary cancer-predisposing syndrome. Also called: Tumor predisposition; Hereditary Cancer Syndrome; Hereditary neoplastic syndrome; Neoplastic Syndromes, Hereditary. Identifiers: Orphanet 140162, MedGen C0027672, MeSH D009386, MONDO:0015356.
Hereditary diffuse gastric adenocarcinoma (HDGC). Also called: DIFFUSE GASTRIC AND LOBULAR BREAST CANCER SYNDROME. Identifiers: Orphanet 26106, MedGen C1708349, MONDO:0007648, OMIM 137215.

Submissions (7):

Clingen Gastric Cancer Variant Curation Expert Panel
Classification: Likely pathogenic for CDH1-related diffuse gastric and lobular breast cancer syndrome. Last evaluated: 2023-08-24. Review status: reviewed by expert panel. Criteria: ClinGen CDH1 ACMG Specifications V3.1. Collection method: curation. Allele origin: germline. Inheritance: Autosomal dominant inheritance.
Comment: The c.2296-2A>G variant is a canonical splice variant predicted to result in a truncated protein (PVS1_strong, PM5_Supporting). The variant is absent in the gnomAD cohort (PM2_supporting). This variant has been reported in at least two families meeting HDGC clinical criteria (PS4_moderate; SCV000760771.5). In summary, this variant meets criteria to be classified as likely pathogenic based on the ACMG/AMP criteria applied as specified by the CDH1 Variant Curation Expert Panel (Variant Interpretation Guidelines Version 3.1): PVS1_strong, PS4_moderate, PM2_supporting, PM5_Supporting.

Quest Diagnostics Nichols Institute San Juan Capistrano
Classification: Likely pathogenic. Last evaluated: 2025-08-22. Review status: criteria provided, single submitter. Criteria: Quest Diagnostics criteria. Collection method: clinical testing. Allele origin: unknown. Not counted in ClinVar's aggregate classification.
Comment: The CDH1 c.2296-2A>G variant disrupts a canonical splice-acceptor site and is predicted to interfere with normal CDH1 mRNA splicing. This variant has been reported in the published literature in individuals with gastric cancer (PMID: 34949788 (2022)), and breast cancer (PMID: 36833268 (2023)). This variant has not been reported in large, multi-ethnic general populations (Genome Aggregation Database). Based on the available information, this variant is classified as likely pathogenic.

Ambry Genetics
Classification: Pathogenic for Hereditary cancer-predisposing syndrome. Last evaluated: 2025-01-29. Review status: criteria provided, single submitter. Criteria: Ambry Variant Classification Scheme 2023. Collection method: clinical testing. Allele origin: germline. Not counted in ClinVar's aggregate classification.
Comment: The c.2296-2A>G intronic pathogenic mutation results from an A to G substitution two nucleotides upstream from coding exon 15 in the CDH1 gene. This variant is considered to be rare based on population cohorts in the Genome Aggregation Database (gnomAD). This nucleotide position is highly conserved in available vertebrate species. In silico splice site analysis predicts that this alteration will weaken the native splice acceptor site and will result in the creation or strengthening of a novel splice acceptor site; however, direct evidence is insufficient at this time (Ambry internal data). Another alteration impacting the same acceptor site (c.2296-1G>A) has been seen in multiple patients meeting diagnostic criteria for hereditary diffuse gastric cancer (Ambry internal data). Alterations that disrupt the canonical splice site are expected to cause aberrant splicing, resulting in an abnormal protein or a transcript that is subject to nonsense-mediated mRNA decay. As such, this alteration is classified as a disease-causing mutation.

Labcorp Genetics (formerly Invitae), Labcorp
Classification: Pathogenic for Hereditary diffuse gastric adenocarcinoma. Last evaluated: 2024-11-03. Review status: criteria provided, single submitter. Criteria: Invitae Variant Classification Sherloc (09022015). Collection method: clinical testing. Allele origin: germline. Not counted in ClinVar's aggregate classification.
Comment: This sequence change affects an acceptor splice site in intron 14 of the CDH1 gene. It is expected to disrupt RNA splicing. Variants that disrupt the donor or acceptor splice site typically lead to a loss of protein function (PMID: 16199547), and loss-of-function variants in CDH1 are known to be pathogenic (PMID: 15235021, 20373070). This variant is not present in population databases (gnomAD no frequency). Disruption of this splice site has been observed in individuals with hereditary diffuse gastric cancer (internal data). ClinVar contains an entry for this variant (Variation ID: 233417). Algorithms developed to predict the effect of sequence changes on RNA splicing suggest that this variant may disrupt the consensus splice site. For these reasons, this variant has been classified as Pathogenic.

GeneDx
Classification: Likely pathogenic. Last evaluated: 2023-09-13. Review status: criteria provided, single submitter. Criteria: GeneDx Variant Classification Process June 2021. Collection method: clinical testing. Allele origin: germline. Affected: yes. Not counted in ClinVar's aggregate classification.
Comment: Canonical splice site variant predicted to result in an in-frame loss of the adjacent exon in a gene for which loss of function is a known mechanism of disease; Not observed at significant frequency in large population cohorts (gnomAD); This variant is associated with the following publications: (PMID: 15235021, 22850631, 34949788, 31296550)

Myriad Genetics, Inc.
Classification: Likely pathogenic for Hereditary diffuse gastric adenocarcinoma. Last evaluated: 2023-06-15. Review status: criteria provided, single submitter. Criteria: Myriad Autosomal Dominant, Autosomal Recessive and X-Linked Classification Criteria (2023). Collection method: clinical testing. Allele origin: unknown. Not counted in ClinVar's aggregate classification.
Comment: This variant is considered likely pathogenic. This variant occurs within a consensus splice junction and is predicted to result in abnormal mRNA splicing of either an out-of-frame exon or an in-frame exon necessary for protein stability and/or normal function. mRNA analysis has demonstrated abnormal mRNA splicing occurs [Myriad internal data].

Color Diagnostics, LLC DBA Color Health
Classification: Likely pathogenic for Hereditary cancer-predisposing syndrome. Last evaluated: 2020-05-05. Review status: criteria provided, single submitter. Criteria: ACMG Guidelines, 2015. Collection method: clinical testing. Allele origin: germline. Not counted in ClinVar's aggregate classification.
Comment: This variant causes an A to G nucleotide substitution at the -2 position of intron 14 of the CDH1 gene. Splice site prediction tools predict that this variant may have a significant impact on RNA splicing. To our knowledge, functional studies have not been reported for this variant. This variant has not been reported in individuals affected with hereditary cancer in the literature. This variant has not been identified in the general population by the Genome Aggregation Database (gnomAD). Loss of CDH1 function is a known mechanism of disease. Based on the available evidence, this variant is classified as Likely Pathogenic.

Literature cited by the submitters: PubMed 36833268 (cited by Quest Diagnostics Nichols Institute San Juan Capistrano); PubMed 34949788 (cited by Quest Diagnostics Nichols Institute San Juan Capistrano); PubMed 16199547 (cited by Labcorp Genetics (formerly Invitae), Labcorp); PubMed 15235021 (cited by Labcorp Genetics (formerly Invitae), Labcorp); PubMed 20373070 (cited by Labcorp Genetics (formerly Invitae), Labcorp).